The following is an entry in ClinVar:

NM_018489.3(ASH1L):c.5288A>G (p.Asp1763Gly)

Gene: ASH1L (ASH1 like histone lysine methyltransferase; minus strand). Cytogenetic location: 1q22.
Variant type: single nucleotide variant.
Coding change: c.5288A>G on transcript NM_018489.3 (MANE Select); coding-DNA position 5288, A replaced by G.
Protein change: p.Asp1763Gly; replaces aspartic acid 1763 with glycine.
Molecular consequence: missense variant.
Genome position (GRCh38, 1-based): chr1:155,438,867, T>C on the plus strand (A>G on the coding strand, the complement: ASH1L is on the minus strand). VCF-style: chr1-155438867-T-C. GRCh37 (hg19) VCF-style: chr1-155408658-T-C.
Other names: c.5288A>G, p.Asp1763Gly (NM_001366177.2); c.5288A>G (NM_018489.2); short protein forms D1763G.
Identifiers: ClinVar variation 3250808 (VCV003250808.19), dbSNP rs199958927.

ClinVar aggregate classification (germline): Conflicting classifications of pathogenicity. Review status: criteria provided, conflicting classifications (1 of 4 stars). 2 submissions from 2 submitters: Uncertain significance (1); Likely benign (1). Last evaluated 2024-08-04.

Conditions:
Inborn genetic diseases. Identifiers: MedGen C0950123, MeSH D030342.

Allele frequency attached by ClinVar (database versions not stated): gnomAD exomes 0.00002; gnomAD 0.00003; TOPMed 0.00004.
gnomAD v4.1: 36 of 1,614,100 alleles (0.0022%); highest among the groups gnomAD compares: Non-Finnish European, 0.0031%; no homozygotes.

Submissions (2):

Ambry Genetics
Classification: Uncertain significance for Inborn genetic diseases. Last evaluated: 2024-08-04. Review status: criteria provided, single submitter. Criteria: Ambry Variant Classification Scheme 2023. Collection method: clinical testing. Allele origin: germline.

CeGaT Center for Human Genetics Tuebingen
Classification: Likely benign. Last evaluated: 2024-06-01. Review status: criteria provided, single submitter. Criteria: CeGaT Center For Human Genetics Tuebingen Variant Classification Criteria Version 2. Collection method: clinical testing. Allele origin: germline. Affected: yes. Observed: 1 variant allele.
Comment: ASH1L: BP4